The following is an entry in ClinVar:

ClinVar aggregate classification (germline): Uncertain significance (1 of 4 stars; one submission).

Conditions:
Hydrocephalus, nonsyndromic, autosomal recessive 2. Also called: Hydrocephalus, congenital, 2, with or without brain or eye anomalies. Identifiers: Orphanet 2185, MedGen C3554691, MONDO:0014085, OMIM 615219.

Submission:

Juno Genomics, Hangzhou Juno Genomics, Inc
Classification: Uncertain significance for Hydrocephalus, nonsyndromic, autosomal recessive 2. Review status: criteria provided, single submitter. Criteria: ACMG Guidelines, 2015. Collection method: clinical testing. Allele origin: germline.
Comment: Null variant in a gene where loss of function (LOF) is a known mechanism of disease.;Absent from controls (or at extremely low frequency if recessive) in Genome Aggregation Database.

NM_001378778.1(MPDZ):c.1546+2T>C

Gene: MPDZ (multiple PDZ domain crumbs cell polarity complex component; minus strand). Cytogenetic location: 9p23.
Variant type: single nucleotide variant.
Coding change: c.1546+2T>C on transcript NM_001378778.1 (MANE Select); the canonical splice donor site of the intron after coding-DNA position 1546, T replaced by C.
Molecular consequence: splice donor variant.
Genome position (GRCh38, 1-based): chr9:13,205,034, A>G on the plus strand (T>C on the coding strand, the complement: MPDZ is on the minus strand). VCF-style: chr9-13205034-A-G. GRCh37 (hg19) VCF-style: chr9-13205033-A-G.
Other names: c.1546+2T>C (NM_001375425.1, NM_001375420.1, NM_001375419.1 and 14 more transcripts).
Identifiers: ClinVar variation 5007410 (VCV005007410.2).